The following is an entry in ClinVar:

NM_003072.5(SMARCA4):c.4901A>C (p.Glu1634Ala)

Gene: SMARCA4 (SWI/SNF related BAF chromatin remodeling complex subunit ATPase 4; plus strand). Cytogenetic location: 19p13.2.
Variant type: single nucleotide variant.
Coding change: c.4901A>C on transcript NM_003072.5 (MANE Select); coding-DNA position 4901, A replaced by C.
Protein change: p.Glu1634Ala; replaces glutamic acid 1634 with alanine.
Molecular consequence: missense variant. On other transcripts: non-coding transcript variant (1).
Genome position (GRCh38, 1-based): chr19:11,060,177, A>C. VCF-style: chr19-11060177-A-C. GRCh37 (hg19) VCF-style: chr19-11170853-A-C.
Other names: c.4901A>C, p.Glu1634Ala (NM_001128844.3); c.4811A>C, p.Glu1604Ala (NM_001128845.2); c.4808A>C, p.Glu1603Ala (NM_001128846.2); c.4802A>C, p.Glu1601Ala (NM_001128847.4, NM_001374457.1); c.4799A>C, p.Glu1600Ala (NM_001128848.2); c.4997A>C, p.Glu1666Ala (NM_001128849.3, NM_001387283.1); c.4898A>C, p.Glu1633Ala (NM_001411150.1); c.4997A>C (NM_001128849.1); short protein forms E1601A, E1603A, E1633A, E1600A, E1604A, E1634A, E1666A.
Identifiers: ClinVar variation 2101415 (VCV002101415.5), dbSNP rs2147127037, ClinGen allele CA404080985.
Genomic context (GRCh38, chr19:11,060,177, plus strand): 5'-GGCGGCCGAGCCGAGGGTCCCGAGCCAAGCCGGTCGTGAGTGACGATGACAGTGAGGAGG[A>C]ACAAGAGGAGGTGAGGCCGGGCCCCCGAGCAGGCAGAGCTGGCATGTGGCAGGAGGCATC-3'
Protein context (NP_003063.2, residues 1624-1644): PVVSDDDSEE[Glu1634Ala]QEEDRSGSGS

ClinVar aggregate classification (germline): Uncertain significance. Review status: criteria provided, multiple submitters, no conflicts (2 of 4 stars). 2 submissions from 2 submitters: Uncertain significance (2). Last evaluated 2023-09-29.

Conditions:
Rhabdoid tumor predisposition syndrome 2 (RTPS2). Identifiers: Orphanet 231108, Orphanet 69077, MedGen C2750074, MONDO:0013224, OMIM 613325.
Hereditary cancer-predisposing syndrome. Also called: Hereditary Cancer Syndrome; Tumor predisposition; Neoplastic Syndromes, Hereditary; Hereditary neoplastic syndrome. Identifiers: Orphanet 140162, MedGen C0027672, MeSH D009386, MONDO:0015356.

Submissions (2):

Ambry Genetics
Classification: Uncertain significance for Hereditary cancer-predisposing syndrome. Last evaluated: 2023-09-29. Review status: criteria provided, single submitter. Criteria: Ambry Variant Classification Scheme 2023. Collection method: clinical testing. Allele origin: germline.
Comment: The p.E1666A variant (also known as c.4997A>C), located in coding exon 34 of the SMARCA4 gene, results from an A to C substitution at nucleotide position 4997. The glutamic acid at codon 1666 is replaced by alanine, an amino acid with dissimilar properties. This amino acid position is well conserved in available vertebrate species. In addition, the in silico prediction for this alteration is inconclusive. Missense and in-frame variants in SMARCA4 are known to cause neurodevelopmental disorders; however, such associations with rhabdoid tumor predisposition syndrome including small cell carcinoma of the ovary-hypercalcemic type (SCCOHT) are exceedingly rare (Kosho T et al. Am J Med Genet C Semin Med Genet. 2014 Sep;166C(3):262-75; Jelinic P et al. Nat Genet. 2014 May;46(5):424-6). Based on the supporting evidence, the association of this alteration with Coffin-Siris syndrome is unknown; however, the association of this alteration with rhabdoid tumor predisposition syndrome is unlikely.

Labcorp Genetics (formerly Invitae), Labcorp
Classification: Uncertain significance for Rhabdoid tumor predisposition syndrome 2. Last evaluated: 2022-12-09. Review status: criteria provided, single submitter. Criteria: Invitae Variant Classification Sherloc (09022015). Collection method: clinical testing. Allele origin: germline.
Comment: In summary, the available evidence is currently insufficient to determine the role of this variant in disease. Therefore, it has been classified as a Variant of Uncertain Significance. This sequence change replaces glutamic acid, which is acidic and polar, with alanine, which is neutral and non-polar, at codon 1666 of the SMARCA4 protein (p.Glu1666Ala). This variant is not present in population databases (gnomAD no frequency). This variant has not been reported in the literature in individuals affected with SMARCA4-related conditions. Advanced modeling of protein sequence and biophysical properties (such as structural, functional, and spatial information, amino acid conservation, physicochemical variation, residue mobility, and thermodynamic stability) has been performed at Invitae for this missense variant, however the output from this modeling did not meet the statistical confidence thresholds required to predict the impact of this variant on SMARCA4 protein function.